The following is an entry in ClinVar:

ClinVar aggregate classification (germline): Uncertain significance (1 of 4 stars; one submission).

gnomAD v4.1: 5 of 1,614,208 alleles (0.00031%); highest among the groups gnomAD compares: South Asian, 0.0055%; no homozygotes.

Submission:

Labcorp Genetics (formerly Invitae), Labcorp
Classification: Uncertain significance. Last evaluated: 2023-09-01. Review status: criteria provided, single submitter. Criteria: Invitae Variant Classification Sherloc (09022015). Collection method: clinical testing. Allele origin: germline.
Comment: This sequence change replaces phenylalanine, which is neutral and non-polar, with cysteine, which is neutral and slightly polar, at codon 318 of the LPIN1 protein (p.Phe318Cys). In summary, the available evidence is currently insufficient to determine the role of this variant in disease. Therefore, it has been classified as a Variant of Uncertain Significance. Advanced modeling of protein sequence and biophysical properties (such as structural, functional, and spatial information, amino acid conservation, physicochemical variation, residue mobility, and thermodynamic stability) performed at Invitae indicates that this missense variant is not expected to disrupt LPIN1 protein function. This variant has not been reported in the literature in individuals affected with LPIN1-related conditions. This variant is present in population databases (no rsID available, gnomAD 0.003%).

NM_001349206.2(LPIN1):c.1061T>G (p.Phe354Cys)

Gene: LPIN1 (lipin 1; plus strand). Cytogenetic location: 2p25.1.
Variant type: single nucleotide variant.
Coding change: c.1061T>G on transcript NM_001349206.2 (MANE Select); coding-DNA position 1061, T replaced by G.
Protein change: p.Phe354Cys; replaces phenylalanine 354 with cysteine.
Molecular consequence: missense variant. On other transcripts: non-coding transcript variant (1).
Genome position (GRCh38, 1-based): chr2:11,782,304, T>G. VCF-style: chr2-11782304-T-G. GRCh37 (hg19) VCF-style: chr2-11922430-T-G.
Other names: c.1058T>G, p.Phe353Cys (NM_001349203.2, NM_001349202.2); c.1061T>G, p.Phe354Cys (NM_001349204.2, NM_001349205.2); c.1151T>G, p.Phe384Cys (NM_001349207.2); c.1100T>G, p.Phe367Cys (NM_001349208.2); c.953T>G, p.Phe318Cys (NM_145693.4, NM_001349199.2, NM_001349200.2 and 1 more transcripts); c.971T>G, p.Phe324Cys (NM_001261427.3); c.1208T>G, p.Phe403Cys (NM_001261428.3); short protein forms F324C, F354C, F367C, F384C, F353C, F318C, F403C.
Identifiers: ClinVar variation 2744031 (VCV002744031.3), dbSNP rs765117462, ClinGen allele CA345856400.
Genomic context (GRCh38, chr2:11,782,304, plus strand): 5'-GTAGAAAAATTTGTGATAAAAGTCACTTTCAGGCCATTCACAGCGAATCTTCAGACACTT[T>G]TAGTGACCAATCGCCAACTCTGGTCGGTGGGGCACTTTTGGACCAGAACAAGCCTCAGAC-3'
Protein context (NP_001336135.1, residues 344-364): QAIHSESSDT[Phe354Cys]SDQSPTLVGG